The following is an entry in ClinVar:

ClinVar aggregate classification (germline): Likely benign. Review status: criteria provided, multiple submitters, no conflicts (2 of 4 stars). 3 submissions from 3 submitters: Likely benign (3). Last evaluated 2026-01-20.

Conditions:
Charcot-Marie-Tooth disease type 4. Also called: Charcot-Marie-Tooth disease, type IV; Charcot-Marie-Tooth, Type 4. Identifiers: Orphanet 64749, MedGen C4082197, MONDO:0018995.

Submissions (3):

Women's Health and Genetics/Laboratory Corporation of America, LabCorp
Classification: Likely benign. Last evaluated: 2026-01-20. Review status: criteria provided, single submitter. Criteria: LabCorp Variant Classification Summary - May 2015. Collection method: clinical testing. Allele origin: germline.
Comment: Variant summary: FIG4 c.1889+6_1889+11dupTTTCTT alters a nucleotide located at a position not widely known to affect splicing. Consensus agreement among computation tools predict no significant impact on normal splicing. However, these predictions have yet to be confirmed by functional studies. The variant allele was found at a frequency of 4.4e-05 in 250836 control chromosomes. This frequency is not significantly higher than estimated for disease-causing variants in FIG4, allowing no conclusion about variant significance. To our knowledge, no occurrence of c.1889+6_1889+11dupTTTCTT in individuals affected with FIG4-related conditions and no experimental evidence demonstrating its impact on protein function have been reported. ClinVar contains an entry for this variant (Variation ID: 1088048). Based on the evidence outlined above, the variant was classified as likely benign.

Labcorp Genetics (formerly Invitae), Labcorp
Classification: Likely benign for Charcot-Marie-Tooth disease type 4. Last evaluated: 2025-09-30. Review status: criteria provided, single submitter. Criteria: Invitae Variant Classification Sherloc (09022015). Collection method: clinical testing. Allele origin: germline.

Blueprint Genetics
Classification: Likely benign. Last evaluated: 2020-11-05. Review status: criteria provided, single submitter. Criteria: ACMG Guidelines, 2015. Collection method: clinical testing. Allele origin: germline.

NM_014845.6(FIG4):c.1889+6_1889+11dup

Gene: FIG4 (FIG4 phosphoinositide 5-phosphatase; plus strand). Cytogenetic location: 6q21.
Variant type: Duplication.
Coding change: c.1889+6_1889+11dup on transcript NM_014845.6 (MANE Select); bases 6 to 11 of the intron after coding-DNA position 1889, 6 bases duplicated (TTTCTT; older notation c.1889+6_1889+11dupTTTCTT).
Molecular consequence: intron variant.
Genome position (GRCh38, 1-based): chr6:109,777,066-109,777,071, TTTCTT duplicated; duplicating any 6 consecutive bases within chr6:109,777,064-109,777,071 gives the same sequence; the c. name uses the placement nearest the transcript's 3' end. VCF-style (leftmost placement, unchanged base first): chr6-109777063-A-ATTTTTC. GRCh37 (hg19) VCF-style: chr6-110098266-A-ATTTTTC.
Other names: c.1889+6_1889+11dupTTTCTT (NM_014845.6).
Identifiers: ClinVar variation 1088048 (VCV001088048.11), dbSNP rs762389374, ClinGen allele CA3956201.